The following is an entry in ClinVar:

NM_001189.4(NKX3-2):c.566C>T (p.Pro189Leu)

Genes: NKX3-2 (NK3 homeobox 2; minus strand), LOC129992265 (ATAC-STARR-seq lymphoblastoid silent region 15286; plus strand). Cytogenetic location: 4p15.33.
Variant type: single nucleotide variant.
Coding change: c.566C>T on transcript NM_001189.4 (MANE Select); coding-DNA position 566, C replaced by T.
Protein change: p.Pro189Leu; replaces proline 189 with leucine.
Molecular consequence: missense variant.
Genome position (GRCh38, 1-based): chr4:13,542,429, G>A on the plus strand (C>T on the coding strand, the complement: NKX3-2 is on the minus strand). VCF-style: chr4-13542429-G-A. GRCh37 (hg19) VCF-style: chr4-13544053-G-A.
Other names: short protein forms P189L.
Identifiers: ClinVar variation 1714606 (VCV001714606.6), dbSNP rs961289999, ClinGen allele CA356377100.

ClinVar aggregate classification (germline): Uncertain significance (1 of 4 stars; one submission).

Submission:

Labcorp Genetics (formerly Invitae), Labcorp
Classification: Uncertain significance. Last evaluated: 2022-07-15. Review status: criteria provided, single submitter. Criteria: Invitae Variant Classification Sherloc (09022015). Collection method: clinical testing. Allele origin: germline.
Comment: This variant has not been reported in the literature in individuals affected with NKX3-2-related conditions. In summary, the available evidence is currently insufficient to determine the role of this variant in disease. Therefore, it has been classified as a Variant of Uncertain Significance. Algorithms developed to predict the effect of missense changes on protein structure and function are either unavailable or do not agree on the potential impact of this missense change (SIFT: "Deleterious"; PolyPhen-2: "Benign"; Align-GVGD: "Class C0"). This variant is not present in population databases (gnomAD no frequency). This sequence change replaces proline, which is neutral and non-polar, with leucine, which is neutral and non-polar, at codon 189 of the NKX3-2 protein (p.Pro189Leu).